The following is an entry in ClinVar:

NM_032578.4(MYPN):c.2443A>G (p.Ile815Val)

Gene: MYPN (myopalladin; plus strand). Cytogenetic location: 10q21.3.
Variant type: single nucleotide variant.
Coding change: c.2443A>G on transcript NM_032578.4 (MANE Select); coding-DNA position 2443, A replaced by G.
Protein change: p.Ile815Val; replaces isoleucine 815 with valine.
Molecular consequence: missense variant. On other transcripts: non-coding transcript variant (2).
Genome position (GRCh38, 1-based): chr10:68,174,535, A>G. VCF-style: chr10-68174535-A-G. GRCh37 (hg19) VCF-style: chr10-69934292-A-G.
Other names: c.2443A>G, p.Ile815Val (NM_001256267.2); c.1561A>G, p.Ile521Val (NM_001256268.2); short protein forms I815V, I521V.
Identifiers: ClinVar variation 229034 (VCV000229034.10), dbSNP rs876657922, ClinGen allele CA10576800.

ClinVar aggregate classification (germline): Uncertain significance. Review status: criteria provided, multiple submitters, no conflicts (2 of 4 stars). 2 submissions from 2 submitters: Uncertain significance (2). Last evaluated 2021-10-04.

Conditions:
Dilated cardiomyopathy 1KK (CMD1KK). Identifiers: Orphanet 154, Orphanet 75249, MedGen C3714995, MONDO:0014100, OMIM 615248.

gnomAD v4.1: 2 of 1,614,008 alleles (0.00012%); highest among the groups gnomAD compares: Non-Finnish European, 0.00017%; no homozygotes.

Submissions (2):

Labcorp Genetics (formerly Invitae), Labcorp
Classification: Uncertain significance for Dilated cardiomyopathy 1KK. Last evaluated: 2021-10-04. Review status: criteria provided, single submitter. Criteria: Invitae Variant Classification Sherloc (09022015). Collection method: clinical testing. Allele origin: germline.
Comment: This variant has not been reported in the literature in individuals affected with MYPN-related conditions. In summary, the available evidence is currently insufficient to determine the role of this variant in disease. Therefore, it has been classified as a Variant of Uncertain Significance. Algorithms developed to predict the effect of sequence changes on RNA splicing suggest that this variant may create or strengthen a splice site. Algorithms developed to predict the effect of missense changes on protein structure and function (SIFT, PolyPhen-2, Align-GVGD) all suggest that this variant is likely to be tolerated. ClinVar contains an entry for this variant (Variation ID: 229034). This variant is not present in population databases (ExAC no frequency). This sequence change replaces isoleucine with valine at codon 815 of the MYPN protein (p.Ile815Val). The isoleucine residue is weakly conserved and there is a small physicochemical difference between isoleucine and valine.

Laboratory for Molecular Medicine, Mass General Brigham Personalized Medicine
Classification: Uncertain significance. Last evaluated: 2016-03-01. Review status: criteria provided, single submitter. Criteria: LMM Criteria. Collection method: clinical testing. Allele origin: germline. Observed: 1 variant allele.
Comment: Variant classified as Uncertain Significance - Favor Benign. The p.Ile815Val var iant in MYPN has not been previously reported in individuals with cardiomyopathy or in large population studies. Isoleucine (Ile) at position 815 is not conserv ed in mammals or evolutionarily distant species and 2 species (manatee and rock pigeon) carry a valine (Val) at this position, raising the possibility that this change may be tolerated. Additional computational prediction tools suggest that the p.Ile815Val variant may not impact the protein, though this information is not predictive enough to rule out pathogenicity. In summary, while the clinical significance of the p.Ile815Val variant is uncertain, the lack of evolutionary c onservation suggest that it is more likely to be benign.